The following is an entry in ClinVar:

ClinVar aggregate classification (germline): Uncertain significance (1 of 4 stars; one submission).

Submission:

Labcorp Genetics (formerly Invitae), Labcorp
Classification: Uncertain significance. Last evaluated: 2023-02-03. Review status: criteria provided, single submitter. Criteria: Invitae Variant Classification Sherloc (09022015). Collection method: clinical testing. Allele origin: germline.
Comment: This sequence change replaces arginine, which is basic and polar, with glycine, which is neutral and non-polar, at codon 622 of the DRP2 protein (p.Arg622Gly). This variant is not present in population databases (gnomAD no frequency). This variant has not been reported in the literature in individuals affected with DRP2-related conditions. Algorithms developed to predict the effect of missense changes on protein structure and function (SIFT, PolyPhen-2, Align-GVGD) all suggest that this variant is likely to be disruptive. Algorithms developed to predict the effect of sequence changes on RNA splicing suggest that this variant may create or strengthen a splice site. In summary, the available evidence is currently insufficient to determine the role of this variant in disease. Therefore, it has been classified as a Variant of Uncertain Significance.

NM_001939.3(DRP2):c.1864A>G (p.Arg622Gly)

Gene: DRP2 (dystrophin related protein 2; plus strand). Cytogenetic location: Xq22.1.
Variant type: single nucleotide variant.
Coding change: c.1864A>G on transcript NM_001939.3 (MANE Select); coding-DNA position 1864, A replaced by G.
Protein change: p.Arg622Gly; replaces arginine 622 with glycine.
Molecular consequence: missense variant.
Genome position (GRCh38, 1-based): chrX:101,251,082, A>G. VCF-style: chrX-101251082-A-G. GRCh37 (hg19) VCF-style: chrX-100506071-A-G.
Other names: c.1630A>G, p.Arg544Gly (NM_001171184.2); short protein forms R544G, R622G.
Identifiers: ClinVar variation 2834090 (VCV002834090.3), dbSNP rs2520282568, ClinGen allele CA413931523.